The following is an entry in ClinVar:

ClinVar aggregate classification (germline): Conflicting classifications of pathogenicity. Review status: criteria provided, conflicting classifications (1 of 4 stars). 2 submissions from 2 submitters: Likely pathogenic (1); Uncertain significance (1). Last evaluated 2025-09-24.

Conditions:
Immunodeficiency 31B. Also called: STAT1 DEFICIENCY, AUTOSOMAL RECESSIVE; IMMUNODEFICIENCY 31B, MYCOBACTERIAL AND VIRAL INFECTIONS, AUTOSOMAL RECESSIVE. Identifiers: Orphanet 391311, MedGen C3151088, MONDO:0013427, OMIM 613796.
Autoimmune enteropathy and endocrinopathy - susceptibility to chronic infections syndrome. Also called: Immunodeficiency 31C; Immunodeficiency 31C, autosomal dominant. Identifiers: Orphanet 391487, MedGen C3279990, MONDO:0013599, OMIM 614162.
Mendelian susceptibility to mycobacterial diseases due to partial STAT1 deficiency. Also called: Immunodeficiency 31a; IMMUNODEFICIENCY 31A, MYCOBACTERIOSIS, AUTOSOMAL DOMINANT; STAT1 DEFICIENCY, AUTOSOMAL DOMINANT. Identifiers: Orphanet 319595, MedGen C4013950, MONDO:0013956, OMIM 614892.

Submissions (2):

Labcorp Genetics (formerly Invitae), Labcorp
Classification: Uncertain significance for Mendelian susceptibility to mycobacterial diseases due to partial STAT1 deficiency; Immunodeficiency 31B; Autoimmune enteropathy and endocrinopathy - susceptibility to chronic infections syndrome. Last evaluated: 2025-09-24. Review status: criteria provided, single submitter. Criteria: Invitae Variant Classification Sherloc (09022015). Collection method: clinical testing. Allele origin: germline.
Comment: This sequence change replaces methionine, which is neutral and non-polar, with arginine, which is basic and polar, at codon 390 of the STAT1 protein (p.Met390Arg). This variant is not present in population databases (gnomAD no frequency). This variant has not been reported in the literature in individuals affected with STAT1-related conditions. ClinVar contains an entry for this variant (Variation ID: 451487). An algorithm developed to predict the effect of missense changes on protein structure and function (PolyPhen-2) suggests that this variant is likely to be disruptive. In summary, the available evidence is currently insufficient to determine the role of this variant in disease. Therefore, it has been classified as a Variant of Uncertain Significance.

GeneDx
Classification: Likely pathogenic. Last evaluated: 2017-08-18. Review status: criteria provided, single submitter. Criteria: GeneDx Variant Classification (06012015). Collection method: clinical testing. Allele origin: germline. Affected: yes.
Comment: The c.1169 T>G variant in the STAT1 gene has not been reported previously as a pathogenic variant, nor as a benign variant, to our knowledge. The c.1169 T>G variant is not observed in large population cohorts (Lek et al., 2016; 1000 Genomes Consortium et al., 2015; Exome Variant Server). In-silico splice models predict that c.1169 T>G may create a cryptic splice donor site in exon 14 that could supplant the natural splice acceptor site. However, in the absence of RNA/functional studies, the actual effect of the c.1169 T>G change in this individual is unknown. If c.1169 T>G does not alter splicing, it will result in the M390R missense change. The M390R variant is a non-conservative amino acid substitution, which is likely to impact secondary protein structure as these residues differ in polarity, charge, size and/or other properties. This substitution occurs at a position that is conserved across species. In silico analysis predicts this variant is probably damaging to the protein structure/function. Missense variants in the same residues (M390T, M390I) have been reported in unrelated individuals with STAT1-related disorders, supporting the functional importance of this region of the protein (Mizoguchi et al., 2014; Toubiana et al., 2016). We interpret c.1169 T>G as a likely pathogenic variant.

NM_007315.4(STAT1):c.1169T>G (p.Met390Arg)

Gene: STAT1 (signal transducer and activator of transcription 1; minus strand). Cytogenetic location: 2q32.2.
Variant type: single nucleotide variant.
Coding change: c.1169T>G on transcript NM_007315.4 (MANE Select); coding-DNA position 1169, T replaced by G.
Protein change: p.Met390Arg; replaces methionine 390 with arginine.
Molecular consequence: missense variant.
Genome position (GRCh38, 1-based): chr2:190,986,906, A>C on the plus strand (T>G on the coding strand, the complement: STAT1 is on the minus strand). VCF-style: chr2-190986906-A-C. GRCh37 (hg19) VCF-style: chr2-191851632-A-C.
Other names: c.1109T>G, p.Met370Arg (NM_001384880.1); c.1175T>G, p.Met392Arg (NM_001384881.1, NM_001384884.1); c.1163T>G, p.Met388Arg (NM_001384882.1); c.1070T>G, p.Met357Arg (NM_001384883.1); c.1010T>G, p.Met337Arg (NM_001384885.1); c.1169T>G, p.Met390Arg (NM_001384886.1, NM_001384889.1, NM_139266.3); c.1076T>G, p.Met359Arg (NM_001384887.1); c.1139T>G, p.Met380Arg (NM_001384888.1); and 2 more; short protein forms M390R, M337R, M357R, M359R, M360R, M370R, M380R, M388R.
Identifiers: ClinVar variation 451487 (VCV000451487.4), dbSNP rs1553494436, ClinGen allele CA349919065.